The following is an entry in ClinVar:

NM_139321.3(ATRN):c.1522G>A (p.Asp508Asn)

Gene: ATRN (attractin; plus strand). Cytogenetic location: 20p13.
Variant type: single nucleotide variant.
Coding change: c.1522G>A on transcript NM_139321.3 (MANE Select); coding-DNA position 1522, G replaced by A.
Protein change: p.Asp508Asn; replaces aspartic acid 508 with asparagine.
Molecular consequence: missense variant.
Genome position (GRCh38, 1-based): chr20:3,562,350, G>A. VCF-style: chr20-3562350-G-A. GRCh37 (hg19) VCF-style: chr20-3542997-G-A.
Other names: c.1174G>A, p.Asp392Asn (NM_001207047.3); c.1522G>A, p.Asp508Asn (NM_001323332.2, NM_139322.4); c.1522G>A (NM_139321.2); short protein forms D392N, D508N.
Identifiers: ClinVar variation 2173142 (VCV002173142.5), dbSNP rs149091209, ClinGen allele CA9744076.

ClinVar aggregate classification (germline): Uncertain significance. Review status: criteria provided, multiple submitters, no conflicts (2 of 4 stars). 2 submissions from 2 submitters: Uncertain significance (2). Last evaluated 2025-10-02.

Allele frequency attached by ClinVar (database versions not stated): ExAC 0.00002; gnomAD exomes 0.00002; gnomAD 0.00004; TOPMed 0.00005; ESP Exome Variant Server 0.00008.
gnomAD v4.1: 41 of 1,613,912 alleles (0.0025%); highest among the groups gnomAD compares: Non-Finnish European, 0.0031%; no homozygotes.

Submissions (2):

Labcorp Genetics (formerly Invitae), Labcorp
Classification: Uncertain significance. Last evaluated: 2025-10-02. Review status: criteria provided, single submitter. Criteria: Invitae Variant Classification Sherloc (09022015). Collection method: clinical testing. Allele origin: germline.
Comment: This sequence change replaces aspartic acid, which is acidic and polar, with asparagine, which is neutral and polar, at codon 508 of the ATRN protein (p.Asp508Asn). This variant is present in population databases (rs149091209, gnomAD 0.003%). This variant has not been reported in the literature in individuals affected with ATRN-related conditions. ClinVar contains an entry for this variant (Variation ID: 2173142). An algorithm developed to predict the effect of missense changes on protein structure and function (PolyPhen-2) suggests that this variant is likely to be disruptive. In summary, the available evidence is currently insufficient to determine the role of this variant in disease. Therefore, it has been classified as a Variant of Uncertain Significance.

Ambry Genetics
Classification: Uncertain significance. Last evaluated: 2025-05-05. Review status: criteria provided, single submitter. Criteria: Ambry Variant Classification Scheme 2023. Collection method: clinical testing. Allele origin: germline.